The following is an entry in ClinVar:

NM_001291415.2(KDM6A):c.384+1866A>G

Gene: KDM6A (lysine demethylase 6A; plus strand). Cytogenetic location: Xp11.3.
Variant type: single nucleotide variant.
Coding change: c.384+1866A>G on transcript NM_001291415.2 (MANE Select); 1866 bases into the intron after coding-DNA position 384, A replaced by G.
Molecular consequence: intron variant.
Genome position (GRCh38, 1-based): chrX:44,976,581, A>G. VCF-style: chrX-44976581-A-G. GRCh37 (hg19) VCF-style: chrX-44835826-A-G.
Other names: c.384+1866A>G (NM_001419809.1, NM_001419810.1, NM_001419813.1 and 9 more transcripts); c.-249+1866A>G (NM_001291421.2).
Identifiers: ClinVar variation 2688290 (VCV002688290.2), dbSNP rs12559916, ClinGen allele CA329563827.

ClinVar aggregate classification (germline): Benign (1 of 4 stars; one submission).

Allele frequency attached by ClinVar (database versions not stated): gnomAD 0.07894; TOPMed 0.10153; 1000 Genomes Project 0.11470; 1000 Genomes Project 30x 0.11613.
gnomAD v4.1: 8,770 of 111,252 alleles (7.9%); highest among the groups gnomAD compares: Admixed American, 31%; 553 homozygotes.

Submission:

Unidad de Genómica Garrahan, Hospital de Pediatría Garrahan
Classification: Benign. Last evaluated: 2024-01-24. Review status: criteria provided, single submitter. Criteria: ACMG Guidelines, 2015. Collection method: clinical testing. Allele origin: germline. Affected: no. Observed: 25 variant alleles.
Comment: This variant is classified as Benign based on local population frequency. This variant was detected in 26% of patients studied by a panel of primary immunodeficiencies. Number of patients: 25. Only high quality variants are reported.